The following is an entry in ClinVar:

ClinVar aggregate classification (germline): Uncertain significance (1 of 4 stars; one submission).

Conditions:
Hereditary cancer-predisposing syndrome. Also called: Neoplastic Syndromes, Hereditary; Tumor predisposition; Hereditary Cancer Syndrome; Hereditary neoplastic syndrome. Identifiers: Orphanet 140162, MedGen C0027672, MeSH D009386, MONDO:0015356.

Submission:

Ambry Genetics
Classification: Uncertain significance for Hereditary cancer-predisposing syndrome. Last evaluated: 2017-07-26. Review status: criteria provided, single submitter. Criteria: Ambry Variant Classification Scheme 2023. Collection method: clinical testing. Allele origin: germline.
Comment: The c.2432delG variant, located in coding exon 19 of the POLD1 gene, results from a deletion of one nucleotide at nucleotide position 2432, causing a translational frameshift with a predicted alternate stop codon (p.G811Afs*77). This alteration is expected to result in loss of function by premature protein truncation or nonsense-mediated mRNA decay. However, neither this specific alteration nor loss of function as a mechanism of pathogenicity have been well-described in the POLD1 gene. Since supporting evidence is limited at this time, the clinical significance of this alteration remains unclear.

NM_002691.4(POLD1):c.2432del (p.Gly811fs)

Gene: POLD1 (DNA polymerase delta 1, catalytic subunit; plus strand). Cytogenetic location: 19q13.33.
Variant type: Deletion.
Coding change: c.2432del on transcript NM_002691.4 (MANE Select); coding-DNA position 2432, one base deleted (G; older notation c.2432delG).
Protein change: p.Gly811fs; shifts the reading frame from glycine 811.
Molecular consequence: frameshift variant. On other transcripts: non-coding transcript variant (1).
Genome position (GRCh38, 1-based): chr19:50,414,858, G deleted; the last of 3 consecutive G bases (chr19:50,414,856-50,414,858); deleting any one gives the same sequence. VCF-style (leftmost placement, unchanged base first): chr19-50414855-CG-C. GRCh37 (hg19) VCF-style: chr19-50918112-CG-C.
Other names: c.2432del, p.Gly811fs (NM_001256849.1); c.2510del, p.Gly837fs (NM_001308632.1); short protein forms G811fs, G837fs.
Identifiers: ClinVar variation 484428 (VCV000484428.5), dbSNP rs1555792827, ClinGen allele CA658658844.